The following is an entry in ClinVar:

ClinVar aggregate classification (germline): Uncertain significance. Review status: criteria provided, multiple submitters, no conflicts (2 of 4 stars). 2 submissions from 2 submitters: Uncertain significance (2). Last evaluated 2025-04-08.

Allele frequency attached by ClinVar (database versions not stated): gnomAD 0.00001; TOPMed 0.00001; gnomAD exomes 0.00005 and 0.00010.
gnomAD v4.1: 54 of 1,049,237 alleles (0.0051%); highest among the groups gnomAD compares: South Asian, 0.017%; no homozygotes.

Submissions (2):

Labcorp Genetics (formerly Invitae), Labcorp
Classification: Uncertain significance. Last evaluated: 2025-04-08. Review status: criteria provided, single submitter. Criteria: Invitae Variant Classification Sherloc (09022015). Collection method: clinical testing. Allele origin: germline.
Comment: This sequence change replaces arginine, which is basic and polar, with cysteine, which is neutral and slightly polar, at codon 193 of the NYX protein (p.Arg193Cys). This variant is present in population databases (rs749658239, gnomAD 0.05%). This variant has not been reported in the literature in individuals affected with NYX-related conditions. ClinVar contains an entry for this variant (Variation ID: 1464529). Invitae Evidence Modeling of protein sequence and biophysical properties (such as structural, functional, and spatial information, amino acid conservation, physicochemical variation, residue mobility, and thermodynamic stability) indicates that this missense variant is not expected to disrupt NYX protein function with a negative predictive value of 80%. In summary, the available evidence is currently insufficient to determine the role of this variant in disease. Therefore, it has been classified as a Variant of Uncertain Significance.

Blueprint Genetics
Classification: Uncertain significance. Last evaluated: 2022-09-09. Review status: criteria provided, single submitter. Criteria: ACMG Guidelines, 2015. Collection method: clinical testing. Allele origin: germline.

NM_001378477.3(NYX):c.562C>T (p.Arg188Cys)

Gene: NYX (nyctalopin; plus strand). Cytogenetic location: Xp11.4.
Variant type: single nucleotide variant.
Coding change: c.562C>T on transcript NM_001378477.3 (MANE Select); coding-DNA position 562, C replaced by T.
Protein change: p.Arg188Cys; replaces arginine 188 with cysteine.
Molecular consequence: missense variant.
Genome position (GRCh38, 1-based): chrX:41,474,030, C>T. VCF-style: chrX-41474030-C-T. GRCh37 (hg19) VCF-style: chrX-41333283-C-T.
Other names: c.562C>T, p.Arg188Cys (NM_022567.3); short protein forms R188C.
Identifiers: ClinVar variation 1464529 (VCV001464529.9), dbSNP rs749658239, ClinGen allele CA10389834.